The following is an entry in ClinVar:

NM_170672.3(RASGRP3):c.-261+9727G>T

Gene: RASGRP3 (RAS guanyl releasing protein 3; plus strand). Cytogenetic location: 2p22.3.
Variant type: single nucleotide variant.
Coding change: c.-261+9727G>T on transcript NM_170672.3; 9727 bases into the intron after 261 bases upstream of the start codon, G replaced by T.
Molecular consequence: intron variant.
Genome position (GRCh38, 1-based): chr2:33,457,670, G>T. VCF-style: chr2-33457670-G-T. GRCh37 (hg19) VCF-style: chr2-33682737-G-T.
Other names: c.-383+9727G>T (NM_001349975.2); c.-261+9727G>T (NM_001349978.2).
Identifiers: ClinVar variation 236028 (VCV000236028.6), dbSNP rs2124437, ClinGen allele CA10581500.
Genomic context (GRCh38, chr2:33,457,670, plus strand): 5'-AAGATAAAATCCTGATGCGGAATGCATTATTTGCAACCCTCACTGCCACCCTTTGAGTTG[G>T]GTATTATCATTTCCCTTTCACAAATGAGGAATTTTATTCTTAAAGGCTTAAGTGACTTAC-3'

Conditions:
Lip and oral cavity carcinoma. Identifiers: MedGen C0220641, MONDO:0023644.

Allele frequency attached by ClinVar (database versions not stated): TOPMed 0.65021; gnomAD 0.65924 and 0.65537; 1000 Genomes Project 30x 0.64741; 1000 Genomes Project 0.64337.

Submission:

Department of Biological Science, Sunandan Divatia School of Science, NMIMS University
No classification provided (evidence only). Condition: Lip and oral cavity carcinoma. Last evaluated: 2015-11-02. Review status: no classification provided. Criteria: submitters Publication. Collection method: case-control. Allele origin: not applicable. Functional consequence: probably has functional consequence.
Comment: The frequency of the homozygous SNP genotypes were observed more in the oral cancer patients in comparison to controls, implying the role of this genotype in predisposition of oral cancer.

"association" was previously submitted as the classification for the variant. However, the classification appeared to be based only on an observation of functional data so it was converted to no classification on 2025-07-30.